The following is an entry in ClinVar:

NM_004369.4(COL6A3):c.1313-17A>G

Gene: COL6A3 (collagen type VI alpha 3 chain; minus strand). Cytogenetic location: 2q37.3.
Variant type: single nucleotide variant.
Coding change: c.1313-17A>G on transcript NM_004369.4 (MANE Select); 17 bases into the intron before coding-DNA position 1313, A replaced by G.
Molecular consequence: intron variant.
Genome position (GRCh38, 1-based): chr2:237,381,516, T>C on the plus strand (A>G on the coding strand, the complement: COL6A3 is on the minus strand). VCF-style: chr2-237381516-T-C. GRCh37 (hg19) VCF-style: chr2-238290159-T-C.
Other names: c.92-17A>G (NM_057166.5, NM_057164.5); c.695-17A>G (NM_057167.4, NM_057165.5).
Identifiers: ClinVar variation 94905 (VCV000094905.18), dbSNP rs7579816, ClinGen allele CA147909.

ClinVar aggregate classification (germline): Benign/Likely benign. Review status: criteria provided, multiple submitters, no conflicts (2 of 4 stars). 7 submissions from 7 submitters: Benign (3); Likely benign (2). 2 of the submissions do not count toward it. Last evaluated 2026-02-01.

Conditions:
Bethlem myopathy 1A. Also called: Bethlem myopathy 1; Bethlem Muscular Dystrophy; MYOPATHY, BENIGN CONGENITAL, WITH CONTRACTURES. Identifiers: Orphanet 610, MedGen CN029274, MONDO:0024530, OMIM 158810.

Allele frequency attached by ClinVar (database versions not stated): gnomAD exomes 0.00267 and 0.00645; 1000 Genomes Project 0.02376; gnomAD 0.02448 and 0.02624; ExAC 0.00903; 1000 Genomes Project 30x 0.02545; ESP Exome Variant Server 0.02633; TOPMed 0.02663.
gnomAD v4.1: 7,727 of 1,579,334 alleles (0.49%); highest among the groups gnomAD compares: African/African-American, 8.5%; 298 homozygotes.

Submissions (7):

Labcorp Genetics (formerly Invitae), Labcorp
Classification: Benign for Bethlem myopathy 1A. Last evaluated: 2026-02-01. Review status: criteria provided, single submitter. Criteria: Invitae Variant Classification Sherloc (09022015). Collection method: clinical testing. Allele origin: germline.

GeneDx
Classification: Benign. Last evaluated: 2016-06-20. Review status: criteria provided, single submitter. Criteria: GeneDx Variant Classification (06012015). Collection method: clinical testing. Allele origin: germline. Affected: yes.
Comment: This variant is considered likely benign or benign based on one or more of the following criteria: it is a conservative change, it occurs at a poorly conserved position in the protein, it is predicted to be benign by multiple in silico algorithms, and/or has population frequency not consistent with disease.

Eurofins Ntd Llc (ga)
Classification: Benign. Last evaluated: 2012-11-05. Review status: criteria provided, single submitter. Criteria: EGL Classification Definitions 2015. Collection method: clinical testing. Allele origin: germline. Observed: 1 variant allele, 1 heterozygote.

Breakthrough Genomics
Classification: Likely benign. Review status: criteria provided, single submitter. Criteria: ACMG Guidelines, 2015. Collection method: not provided. Allele origin: germline. Inheritance: Autosomal recessive inheritance. Affected: yes.

PreventionGenetics, part of Exact Sciences
Classification: Likely benign. Review status: criteria provided, single submitter. Criteria: ACMG Guidelines, 2015. Collection method: clinical testing. Allele origin: germline.

Clinical Genetics, Academic Medical Center
Classification: Benign. Review status: no assertion criteria provided. Collection method: clinical testing. Allele origin: germline. Affected: yes. Study: VKGL Data-share Consensus. Not counted in ClinVar's aggregate classification.

Joint Genome Diagnostic Labs from Nijmegen and Maastricht, Radboudumc and MUMC+
Classification: Benign. Review status: no assertion criteria provided. Collection method: clinical testing. Allele origin: germline. Affected: yes. Study: VKGL Data-share Consensus. Not counted in ClinVar's aggregate classification.